The following is an entry in ClinVar:

NM_001267550.2(TTN):c.77907C>T (p.Asn25969=)

Genes: TTN (titin; minus strand), TTN-AS1 (TTN antisense RNA 1; plus strand). Cytogenetic location: 2q31.2.
Variant type: single nucleotide variant.
Coding change: c.77907C>T on transcript NM_001267550.2 (MANE Select); coding-DNA position 77907, C replaced by T.
Protein change: p.Asn25969=; no amino-acid change (asparagine 25969 retained).
Molecular consequence: synonymous variant.
Genome position (GRCh38, 1-based): chr2:178,568,225, G>A on the plus strand (C>T on the coding strand, the complement: TTN is on the minus strand). VCF-style: chr2-178568225-G-A. GRCh37 (hg19) VCF-style: chr2-179432952-G-A.
Other names: c.72984C>T, p.Asn24328= (NM_001256850.1); c.50712C>T, p.Asn16904= (NM_003319.4); c.70203C>T, p.Asn23401= (NM_133378.4); c.51087C>T, p.Asn17029= (NM_133432.3); c.51288C>T, p.Asn17096= (NM_133437.4).
Identifiers: ClinVar variation 289475 (VCV000289475.44), dbSNP rs375903820, ClinGen allele CA1989693.

ClinVar aggregate classification (germline): Conflicting classifications of pathogenicity. Review status: criteria provided, conflicting classifications (1 of 4 stars). 8 submissions from 8 submitters: Uncertain significance (1); Likely benign (7). Last evaluated 2026-01-26.

Conditions:
Cardiovascular phenotype. Identifiers: MedGen CN230736.
Autosomal recessive limb-girdle muscular dystrophy type 2J (LGMDR10). Also called: MUSCULAR DYSTROPHY, LIMB-GIRDLE, AUTOSOMAL RECESSIVE 10; Limb-girdle muscular dystrophy, type 2J. Identifiers: Orphanet 140922, MedGen C1837342, MONDO:0012127, OMIM 608807.
Dilated cardiomyopathy 1G (CMD1G). Identifiers: Orphanet 154, MedGen C1858763, MONDO:0011400, OMIM 604145.
Cardiomyopathy (CMYO). Also called: Cardiomyopathies. Identifiers: Orphanet 167848, MedGen C0878544, MONDO:0004994, HP:0001638. Inheritance: Various modes of inheritance.

Allele frequency attached by ClinVar (database versions not stated): gnomAD exomes 0.00003 and 0.00005; TOPMed 0.00003; gnomAD 0.00005; ExAC 0.00007; ESP Exome Variant Server 0.00008.
gnomAD v4.1: 49 of 1,613,322 alleles (0.003%); highest among the groups gnomAD compares: Middle Eastern, 0.049%; no homozygotes.

Submissions (8):

Labcorp Genetics (formerly Invitae), Labcorp
Classification: Likely benign for Dilated cardiomyopathy 1G; Autosomal recessive limb-girdle muscular dystrophy type 2J. Last evaluated: 2026-01-26. Review status: criteria provided, single submitter. Criteria: Invitae Variant Classification Sherloc (09022015). Collection method: clinical testing. Allele origin: germline.

CeGaT Center for Human Genetics Tuebingen
Classification: Likely benign. Last evaluated: 2025-12-01. Review status: criteria provided, single submitter. Criteria: CeGaT Center For Human Genetics Tuebingen Variant Classification Criteria Version 2. Collection method: clinical testing. Allele origin: germline. Affected: yes. Observed: 2 variant alleles.
Comment: TTN: BP4, BP7

Molecular Diagnostic Laboratory for Inherited Cardiovascular Disease, Montreal Heart Institute
Classification: Likely benign. Last evaluated: 2025-04-09. Review status: criteria provided, single submitter. Criteria: ACMG Guidelines, 2015. Collection method: clinical testing. Allele origin: germline. Affected: no.
Comment: BP7

Blueprint Genetics
Classification: Likely benign. Last evaluated: 2024-08-15. Review status: criteria provided, single submitter. Criteria: ACMG Guidelines, 2015. Collection method: clinical testing. Allele origin: germline.

CHEO Genetics Diagnostic Laboratory, Children's Hospital of Eastern Ontario
Classification: Likely benign for Cardiomyopathy. Last evaluated: 2023-05-16. Review status: criteria provided, single submitter. Criteria: ACMG Guidelines, 2015. Collection method: clinical testing. Allele origin: germline.

Ambry Genetics
Classification: Likely benign for Cardiovascular phenotype. Last evaluated: 2020-07-13. Review status: criteria provided, single submitter. Criteria: Ambry Variant Classification Scheme 2023. Collection method: clinical testing. Allele origin: germline.

Eurofins Ntd Llc (ga)
Classification: Uncertain significance. Last evaluated: 2016-09-04. Review status: criteria provided, single submitter. Criteria: EGL Classification Definitions 2015. Collection method: clinical testing. Allele origin: germline. Observed: 2 variant alleles, 2 heterozygotes.

GeneDx
Classification: Likely benign. Last evaluated: 2016-08-03. Review status: criteria provided, single submitter. Criteria: GeneDx Variant Classification (06012015). Collection method: clinical testing. Allele origin: germline. Affected: yes.
Comment: This variant is considered likely benign or benign based on one or more of the following criteria: it is a conservative change, it occurs at a poorly conserved position in the protein, it is predicted to be benign by multiple in silico algorithms, and/or has population frequency not consistent with disease.